The following is an entry in ClinVar:

ClinVar aggregate classification (germline): Uncertain significance (1 of 4 stars; one submission).

gnomAD v4.1: 2 of 1,445,696 alleles (0.00014%); highest among the groups gnomAD compares: Middle Eastern, 0.021%; no homozygotes.

Submission:

Ambry Genetics
Classification: Uncertain significance. Last evaluated: 2025-01-03. Review status: criteria provided, single submitter. Criteria: Ambry Variant Classification Scheme 2023. Collection method: clinical testing. Allele origin: germline.
Comment: The p.R63H variant (also known as c.188G>A), located in coding exon 1 of the PALLD gene, results from a G to A substitution at nucleotide position 188. The arginine at codon 63 is replaced by histidine, an amino acid with highly similar properties. This amino acid position is conserved. In addition, this alteration is predicted to be tolerated by in silico analysis. Based on the available evidence, the clinical significance of this variant remains unclear.

NM_001166108.2(PALLD):c.1965-12843G>A

Gene: PALLD (palladin, cytoskeletal associated protein; plus strand). Cytogenetic location: 4q32.3.
Variant type: single nucleotide variant.
Coding change: c.1965-12843G>A on transcript NM_001166108.2 (MANE Select); 12843 bases into the intron before coding-DNA position 1965, G replaced by A.
Molecular consequence: intron variant. On other transcripts: missense variant (1).
Genome position (GRCh38, 1-based): chr4:168,878,079, G>A. VCF-style: chr4-168878079-G-A. GRCh37 (hg19) VCF-style: chr4-169799230-G-A.
Other names: c.188G>A, p.Arg63His (NM_001166110.2); c.1965-12843G>A (NM_016081.4); c.819-12843G>A (NM_001166109.2); c.-157-12843G>A (NM_001367570.1, NM_001367568.1, NM_001367567.1 and 1 more transcripts); short protein forms R63H.
Identifiers: ClinVar variation 3885292 (VCV003885292.1).